The following is an entry in ClinVar:

ClinVar aggregate classification (germline): Pathogenic. Review status: criteria provided, single submitter (1 of 4 stars). 2 submissions from 2 submitters: Pathogenic (1). 1 of the submissions does not count toward it. Last evaluated 2025-06-11.

Conditions:
Neuronal ceroid lipofuscinosis 5 (CLN5). Also called: CEROID LIPOFUSCINOSIS, NEURONAL, 5, VARIABLE AGE AT ONSET; Neuronal ceroid lipofuscinosis Finnish variant; NEURONAL CEROID LIPOFUSCINOSIS, LATE INFANTILE, FINNISH VARIANT; CLN5-Related Neuronal Ceroid-Lipofuscinosis. Identifiers: Orphanet 168491, Orphanet 228360, MedGen C1850442, MONDO:0009745, OMIM 256731.
Neuronal ceroid lipofuscinosis. Also called: Neuronal Ceroid Lipofuscinoses. Identifiers: Orphanet 216, Orphanet 79263, MedGen C0027877, MONDO:0016295. Disease mechanism: loss of function.

Submissions (2):

Labcorp Genetics (formerly Invitae), Labcorp
Classification: Pathogenic for Neuronal ceroid lipofuscinosis. Last evaluated: 2025-06-11. Review status: criteria provided, single submitter. Criteria: Invitae Variant Classification Sherloc (09022015). Collection method: clinical testing. Allele origin: germline.
Comment: This sequence change creates a premature translational stop signal (p.Glu352Asnfs*4) in the CLN5 gene. While this is not anticipated to result in nonsense mediated decay, it is expected to disrupt the last 56 amino acid(s) of the CLN5 protein. This variant is not present in population databases (gnomAD no frequency). This variant has not been reported in the literature in individuals affected with CLN5-related conditions. ClinVar contains an entry for this variant (Variation ID: 556757). This variant disrupts a region of the CLN5 protein in which other variant(s) (p.Tyr392*) have been determined to be pathogenic (PMID: 9662406; internal data). This suggests that this is a clinically significant region of the protein, and that variants that disrupt it are likely to be disease-causing. For these reasons, this variant has been classified as Pathogenic.

Counsyl
Classification: Likely pathogenic for Neuronal ceroid lipofuscinosis 5. Last evaluated: 2018-02-26. Review status: no assertion criteria provided. Collection method: clinical testing. Allele origin: unknown. Not counted in ClinVar's aggregate classification.

Literature cited by the submitters: PubMed 9662406 (cited by Labcorp Genetics (formerly Invitae), Labcorp).

NM_006493.4(CLN5):c.906del (p.Glu303fs)

Gene: CLN5 (CLN5 lysosomal BMP synthase; plus strand). Cytogenetic location: 13q22.3.
Variant type: Deletion.
Coding change: c.906del on transcript NM_006493.4 (MANE Select); coding-DNA position 906, one base deleted (A; older notation c.906delA).
Protein change: p.Glu303fs; shifts the reading frame from glutamic acid 303.
Molecular consequence: frameshift variant. On other transcripts: 3 prime UTR variant (1).
Genome position (GRCh38, 1-based): chr13:77,000,798, A deleted; the last of 3 consecutive A bases (chr13:77,000,796-77,000,798); deleting any one gives the same sequence. VCF-style (leftmost placement, unchanged base first): chr13-77000795-TA-T. GRCh37 (hg19) VCF-style: chr13-77574930-TA-T.
Other names: c.1053del (LRG_692t1); c.*355del (NM_001366624.2); short protein forms E303fs.
Identifiers: ClinVar variation 556757 (VCV000556757.3), dbSNP rs1555274369, ClinGen allele CA658823730.